The following is an entry in ClinVar:

NM_017780.4(CHD7):c.6178C>G (p.Leu2060Val)

Gene: CHD7 (chromodomain helicase DNA binding protein 7; plus strand). Cytogenetic location: 8q12.2.
Variant type: single nucleotide variant.
Coding change: c.6178C>G on transcript NM_017780.4 (MANE Select); coding-DNA position 6178, C replaced by G.
Protein change: p.Leu2060Val; replaces leucine 2060 with valine.
Molecular consequence: missense variant. On other transcripts: intron variant (1).
Genome position (GRCh38, 1-based): chr8:60,852,903, C>G. VCF-style: chr8-60852903-C-G. GRCh37 (hg19) VCF-style: chr8-61765462-C-G.
Other names: c.1717-9326C>G (NM_001316690.1); short protein forms L2060V.
Identifiers: ClinVar variation 1313323 (VCV001313323.9), dbSNP rs1302545775, ClinGen allele CA371324385.
Genomic context (GRCh38, chr8:60,852,903, plus strand): 5'-TCCTCCATAATTGAGCCGATCACAGAGGAGCGAGCCTCTCGAACTCTGTACCGCATTGAG[C>G]TGCTACGGAAGATCCGCGAGCAGGTTCTCCATCACCCCCAGCTGGGAGAGAGGCTTAAGC-3'
Protein context (NP_060250.2, residues 2050-2070): RASRTLYRIE[Leu2060Val]LRKIREQVLH

ClinVar aggregate classification (germline): Uncertain significance. Review status: criteria provided, multiple submitters, no conflicts (2 of 4 stars). 4 submissions from 4 submitters: Uncertain significance (4). Last evaluated 2024-11-19.

Conditions:
Hypogonadotropic hypogonadism 5 with or without anosmia (KAL5). Also called: HYPOGONADOTROPIC HYPOGONADISM 5 WITH ANOSMIA; CHD7-Related GnRH Deficiency (Kallmann Syndrome 5); HYPOGONADOTROPHIC HYPOGONADISM 5 WITHOUT ANOSMIA. Identifiers: Orphanet 478, MedGen C3552553, MONDO:0012880, OMIM 612370. Disease mechanism: loss of function.
CHARGE syndrome (CHARGE). Also called: Hittner Hirsch Kreh syndrome; CHARGE ASSOCIATION--COLOBOMA, HEART ANOMALY, CHOANAL ATRESIA, RETARDATION, GENITAL AND EAR ANOMALIES; Coloboma, heart anomaly, choanal atresia, retardation, genital and ear anomalies; CHARGE association; Hall-Hittner syndrome. Identifiers: Orphanet 138, MedGen C0265354, MONDO:0008965.

Allele frequency attached by ClinVar (database versions not stated): gnomAD exomes below 0.00001.
gnomAD v4.1: 1 of 1,613,980 alleles (0.000062%); highest among the groups gnomAD compares: Admixed American, 0.0017%; no homozygotes.

Submissions (4):

Labcorp Genetics (formerly Invitae), Labcorp
Classification: Uncertain significance for CHARGE syndrome. Last evaluated: 2024-11-19. Review status: criteria provided, single submitter. Criteria: Invitae Variant Classification Sherloc (09022015). Collection method: clinical testing. Allele origin: germline.
Comment: This sequence change replaces leucine, which is neutral and non-polar, with valine, which is neutral and non-polar, at codon 2060 of the CHD7 protein (p.Leu2060Val). This variant is present in population databases (no rsID available, gnomAD 0.003%). This variant has not been reported in the literature in individuals affected with CHD7-related conditions. ClinVar contains an entry for this variant (Variation ID: 1313323). Invitae Evidence Modeling of protein sequence and biophysical properties (such as structural, functional, and spatial information, amino acid conservation, physicochemical variation, residue mobility, and thermodynamic stability) indicates that this missense variant is expected to disrupt CHD7 protein function with a positive predictive value of 95%. In summary, the available evidence is currently insufficient to determine the role of this variant in disease. Therefore, it has been classified as a Variant of Uncertain Significance.

Fulgent Genetics
Classification: Uncertain significance for CHD7-related CHARGE syndrome; Hypogonadotropic hypogonadism 5 with or without anosmia. Last evaluated: 2024-03-07. Review status: criteria provided, single submitter. Criteria: ACMG Guidelines, 2015. Collection method: clinical testing. Allele origin: germline.

GeneDx
Classification: Uncertain significance. Last evaluated: 2021-12-02. Review status: criteria provided, single submitter. Criteria: GeneDx Variant Classification Process June 2021. Collection method: clinical testing. Allele origin: germline. Affected: yes.
Comment: Not observed at a significant frequency in large population cohorts (Lek et al., 2016); In silico analysis supports that this missense variant has a deleterious effect on protein structure/function; Has not been previously published as pathogenic or benign to our knowledge

Blueprint Genetics
Classification: Uncertain significance. Last evaluated: 2019-07-05. Review status: criteria provided, single submitter. Criteria: ACMG Guidelines, 2015. Collection method: clinical testing. Allele origin: germline.